The following is an entry in ClinVar:

NM_012216.4(MID2):c.1131_1133delinsAGA (p.Asp377_Ala378delinsGluAsp)

Genes: MID2 (midline 2; plus strand), LOC101928335 (uncharacterized LOC101928335; minus strand). Cytogenetic location: Xq22.3.
Variant type: Indel.
Coding change: c.1131_1133delinsAGA on transcript NM_012216.4 (MANE Select); coding-DNA positions 1131 to 1133, TGC replaced by AGA.
Protein change: p.Asp377_Ala378delinsGluAsp.
Molecular consequence: missense variant.
Genome position (GRCh38, 1-based): chrX:107,916,059-107,916,061, TGC replaced by AGA. VCF-style: chrX-107916059-TGC-AGA. GRCh37 (hg19) VCF-style: chrX-107159289-TGC-AGA.
Other names: c.1071_1073delinsAGA, p.Asp357_Ala358delinsGluAsp (NM_001382751.1, NM_001382752.1); c.1131_1133delinsAGA, p.Asp377_Ala378delinsGluAsp (NM_052817.3).
Identifiers: ClinVar variation 1709693 (VCV001709693.2), dbSNP rs2520751584, ClinGen allele CA2580100139.
Genomic context (GRCh38, chrX:107,916,059, plus strand): 5'-CAGGGTCGCTATGGCAACTGCATCTTCTCAAGTTCTGATTCCAGACATCAATTTTAATGA[TGC>AGA]CTTTGAAAACTTTGCTTTAGATTTTTCCAGAGAAAAGAAACTGCTAGAGGGGTTAGATTA-3'

ClinVar aggregate classification (germline): Uncertain significance (1 of 4 stars; one submission).

Conditions:
Intellectual developmental disorder, X-linked 101. Also called: Intellectual disability, X-linked 101. Identifiers: Orphanet 777, MedGen C3890168, MONDO:0010489, OMIM 300928.

Submission:

MGZ Medical Genetics Center
Classification: Uncertain significance for Intellectual developmental disorder, X-linked 101. Last evaluated: 2022-08-02. Review status: criteria provided, single submitter. Criteria: ACMG Guidelines, 2015. Collection method: clinical testing. Allele origin: germline. Affected: yes. Observed: 1 variant allele.
Comment: ACMG criteria applied: PM2_SUP